The following is an entry in ClinVar:

ClinVar aggregate classification (germline): Uncertain significance (1 of 4 stars; one submission).

Conditions:
Familial intrahepatic cholestasis. Identifiers: Orphanet 284385, MedGen CN296401, MONDO:0017290.
Low phospholipid associated cholelithiasis (GBD1). Also called: Gallbladder disease 1; Gallstone cholecystitis. Identifiers: Orphanet 69663, MedGen C2609268, MONDO:0010939, OMIM 600803.

Submission:

Genomenon, Inc
Classification: Uncertain significance for Familial intrahepatic cholestasis; Low phospholipid associated cholelithiasis. Last evaluated: 2026-04-14. Review status: criteria provided, single submitter. Criteria: Genomenon Sequence Variant Interpretation Standards - Updated. Collection method: curation. Allele origin: germline. Affected: no.
Comment: ABCB4 p.Val1093Met (c.3277G>A) is a missense variant that changes the amino acid at residue 1093 from Valine to Methionine. This variant has been reported in the published literature (PMID:37208429). It is absent or not present at a significant frequency in gnomAD. In silico models predict that this variant is possibly or probably damaging. In conclusion, we classify ABCB4 p.Val1093Met (c.3277G>A) as a variant of uncertain significance.

Literature cited by the submitters: PubMed 37208429.

NM_000443.4(ABCB4):c.3277G>A (p.Val1093Met)

Gene: ABCB4 (ATP binding cassette subfamily B member 4; minus strand). Cytogenetic location: 7q21.12.
Variant type: single nucleotide variant.
Coding change: c.3277G>A on transcript NM_000443.4 (MANE Select); coding-DNA position 3277, G replaced by A.
Protein change: p.Val1093Met; replaces valine 1093 with methionine.
Molecular consequence: missense variant.
Genome position (GRCh38, 1-based): chr7:87,408,039, C>T on the plus strand (G>A on the coding strand, the complement: ABCB4 is on the minus strand). VCF-style: chr7-87408039-C-T. GRCh37 (hg19) VCF-style: chr7-87037355-C-T.
Other names: c.3277G>A, p.Val1093Met (NM_018849.3); c.3136G>A, p.Val1046Met (NM_018850.3); short protein forms V1046M, V1093M.
Identifiers: ClinVar variation 4846651 (VCV004846651.1).